The following is an entry in ClinVar:

NM_000321.3(RB1):c.1128-5del

Gene: RB1 (RB transcriptional corepressor 1; plus strand). Cytogenetic location: 13q14.2.
Variant type: Deletion.
Coding change: c.1128-5del on transcript NM_000321.3 (MANE Select); 5 bases into the intron before coding-DNA position 1128, one base deleted (T; older notation c.1128-5delT).
Molecular consequence: intron variant.
Genome position (GRCh38, 1-based): chr13:48,373,400, T deleted. VCF-style (leftmost placement, unchanged base first): chr13-48373399-CT-C. GRCh37 (hg19) VCF-style: chr13-48947535-CT-C.
Other names: c.1128-5delT (NM_000321.2).
Identifiers: ClinVar variation 255820 (VCV000255820.16), dbSNP rs886038280, ClinGen allele CA10587171.

ClinVar aggregate classification (germline): Conflicting classifications of pathogenicity. Review status: criteria provided, conflicting classifications (1 of 4 stars). 5 submissions from 5 submitters: Uncertain significance (1); Benign (1); Likely benign (3). Last evaluated 2025-12-18.

Conditions:
Hereditary cancer-predisposing syndrome. Also called: Hereditary Cancer Syndrome; Neoplastic Syndromes, Hereditary; Tumor predisposition; Hereditary neoplastic syndrome. Identifiers: Orphanet 140162, MedGen C0027672, MeSH D009386, MONDO:0015356.
Retinoblastoma (RB1). Also called: RETINOBLASTOMA, SOMATIC. Identifiers: Orphanet 790, MedGen C0035335, MeSH D012175, MONDO:0008380, OMIM 180200, HP:0009919. Disease mechanism: loss of function. Inheritance: Both sporadic and heritable forms are tested..

Allele frequency attached by ClinVar (database versions not stated): gnomAD exomes below 0.00001 and 0.00001; gnomAD 0.00001; TOPMed 0.00002.

Submissions (5):

Labcorp Genetics (formerly Invitae), Labcorp
Classification: Likely benign for Retinoblastoma. Last evaluated: 2025-12-18. Review status: criteria provided, single submitter. Criteria: Invitae Variant Classification Sherloc (09022015). Collection method: clinical testing. Allele origin: germline.

Color Diagnostics, LLC DBA Color Health
Classification: Benign for Retinoblastoma. Last evaluated: 2025-06-12. Review status: criteria provided, single submitter. Criteria: ACMG Guidelines, 2015. Collection method: clinical testing. Allele origin: germline.

GeneDx
Classification: Uncertain significance. Last evaluated: 2024-03-15. Review status: criteria provided, single submitter. Criteria: GeneDx Variant Classification Process June 2021. Collection method: clinical testing. Allele origin: germline. Affected: yes.
Comment: Not observed at significant frequency in large population cohorts (gnomAD); In silico analysis supports that this variant does not alter splicing; Has not been previously published as pathogenic or benign to our knowledge

Ambry Genetics
Classification: Likely benign for Hereditary cancer-predisposing syndrome. Last evaluated: 2022-06-07. Review status: criteria provided, single submitter. Criteria: Ambry Variant Classification Scheme 2023. Collection method: clinical testing. Allele origin: germline.

PreventionGenetics, part of Exact Sciences
Classification: Likely benign. Review status: criteria provided, single submitter. Criteria: ACMG Guidelines, 2015. Collection method: clinical testing. Allele origin: germline.